The following is an entry in ClinVar:

NM_003743.5(NCOA1):c.4084A>C (p.Arg1362=)

Gene: NCOA1 (nuclear receptor coactivator 1; plus strand). Cytogenetic location: 2p23.3.
Variant type: single nucleotide variant.
Coding change: c.4084A>C on transcript NM_003743.5 (MANE Select); coding-DNA position 4084, A replaced by C.
Protein change: p.Arg1362=; no amino-acid change (arginine 1362 retained).
Molecular consequence: synonymous variant.
Genome position (GRCh38, 1-based): chr2:24,762,705, A>C. VCF-style: chr2-24762705-A-C. GRCh37 (hg19) VCF-style: chr2-24985574-A-C.
Other names: c.4084A>C, p.Arg1362= (NM_001362950.1, NM_001362952.1, NM_001362954.1 and 3 more transcripts).
Identifiers: ClinVar variation 3043238 (VCV003043238.2), dbSNP rs374912447, ClinGen allele CA1552808.

ClinVar aggregate classification (germline): Likely benign (0 of 4 stars; one submission).

Conditions:
NCOA1-related disorder. Also called: NCOA1-related condition.

Allele frequency attached by ClinVar (database versions not stated): ExAC 0.00007; gnomAD 0.00009; TOPMed 0.00014; ESP Exome Variant Server 0.00015.
gnomAD v4.1: 271 of 1,613,924 alleles (0.017%); highest among the groups gnomAD compares: Non-Finnish European, 0.022%; no homozygotes.

Submission:

PreventionGenetics, part of Exact Sciences
Classification: Likely benign for NCOA1-related condition. Last evaluated: 2023-10-04. Review status: no assertion criteria provided. Collection method: clinical testing. Allele origin: germline.
Comment: This variant is classified as likely benign based on ACMG/AMP sequence variant interpretation guidelines (Richards et al. 2015 PMID: 25741868, with internal and published modifications).